The following is an entry in ClinVar:

ClinVar aggregate classification (germline): Uncertain significance. Review status: criteria provided, multiple submitters, no conflicts (2 of 4 stars). 2 submissions from 2 submitters: Uncertain significance (2). Last evaluated 2024-10-29.

Conditions:
Acyl-CoA oxidase deficiency. Also called: STRAIGHT-CHAIN ACYL-CoA OXIDASE DEFICIENCY; Pseudoneonatal adrenoleukodystrophy; Peroxisomal acyl-CoA oxidase deficiency. Identifiers: Orphanet 2971, MedGen C1849678, MONDO:0009919, OMIM 264470. Disease mechanism: loss of function.

Allele frequency attached by ClinVar (database versions not stated): gnomAD exomes below 0.00001.
gnomAD v4.1: 1 of 1,614,208 alleles (0.000062%); highest among the groups gnomAD compares: East Asian, 0.0022%; no homozygotes.

Submissions (2):

Labcorp Genetics (formerly Invitae), Labcorp
Classification: Uncertain significance for Acyl-CoA oxidase deficiency. Last evaluated: 2024-10-29. Review status: criteria provided, single submitter. Criteria: Invitae Variant Classification Sherloc (09022015). Collection method: clinical testing. Allele origin: germline.
Comment: This sequence change replaces serine, which is neutral and polar, with arginine, which is basic and polar, at codon 67 of the ACOX1 protein (p.Ser67Arg). This variant is present in population databases (no rsID available, gnomAD 0.006%). This variant has not been reported in the literature in individuals affected with ACOX1-related conditions. ClinVar contains an entry for this variant (Variation ID: 1312413). Invitae Evidence Modeling of protein sequence and biophysical properties (such as structural, functional, and spatial information, amino acid conservation, physicochemical variation, residue mobility, and thermodynamic stability) indicates that this missense variant is not expected to disrupt ACOX1 protein function with a negative predictive value of 80%. In summary, the available evidence is currently insufficient to determine the role of this variant in disease. Therefore, it has been classified as a Variant of Uncertain Significance.

GeneDx
Classification: Uncertain significance. Last evaluated: 2019-09-17. Review status: criteria provided, single submitter. Criteria: GeneDx Variant Classification Process June 2021. Collection method: clinical testing. Allele origin: germline. Affected: yes.
Comment: Not observed at a significant frequency in large population cohorts (Lek et al., 2016); In silico analysis, which includes protein predictors and evolutionary conservation, supports a deleterious effect; Has not been previously published as pathogenic or benign to our knowledge

NM_004035.7(ACOX1):c.199A>C (p.Ser67Arg)

Gene: ACOX1 (acyl-CoA oxidase 1; minus strand). Cytogenetic location: 17q25.1.
Variant type: single nucleotide variant.
Coding change: c.199A>C on transcript NM_004035.7 (MANE Select); coding-DNA position 199, A replaced by C.
Protein change: p.Ser67Arg; replaces serine 67 with arginine.
Molecular consequence: missense variant.
Genome position (GRCh38, 1-based): chr17:75,978,604, T>G on the plus strand (A>C on the coding strand, the complement: ACOX1 is on the minus strand). VCF-style: chr17-75978604-T-G. GRCh37 (hg19) VCF-style: chr17-73974685-T-G.
Other names: c.85A>C, p.Ser29Arg (NM_001185039.2); c.199A>C, p.Ser67Arg (NM_007292.6); short protein forms S29R, S67R.
Identifiers: ClinVar variation 1312413 (VCV001312413.5), dbSNP rs1431722229, ClinGen allele CA401082855.